The following is an entry in ClinVar:

ClinVar aggregate classification (germline): Uncertain significance (1 of 4 stars; one submission).

Conditions:
Hereditary cancer-predisposing syndrome. Also called: Hereditary neoplastic syndrome; Tumor predisposition; Neoplastic Syndromes, Hereditary; Hereditary Cancer Syndrome. Identifiers: Orphanet 140162, MedGen C0027672, MeSH D009386, MONDO:0015356.

Allele frequency attached by ClinVar (database versions not stated): gnomAD 0.00004 and 0.00011; TOPMed 0.00006; 1000 Genomes Project 0.00080; 1000 Genomes Project 30x 0.00109.
gnomAD v4.1: 17 of 152,304 alleles (0.011%); highest among the groups gnomAD compares: Middle Eastern, 0.34%; no homozygotes.

Submission:

Sema4
Classification: Uncertain significance for Hereditary cancer-predisposing syndrome. Last evaluated: 2022-02-01. Review status: criteria provided, single submitter. Criteria: Sema4 Curation Guidelines. Collection method: curation. Allele origin: germline.
Comment: The BRCA1 c.4186-2308G>A variant has been reported in heterozygosity in at least one individual being evaluated for hereditary breast and ovarian cancer syndrome (PMID: 29236234). It was observed in 1/15426 chromosomes of the Non-Finnish European (NFE) subpopulation in the large and broad cohorts of the Genome Aggregation Database (PMID: 32461654). This variant is a deep intronic variant without any in silico or functional evidence of pathogenicity. The variant has not been reported in ClinVar. The evidence is insufficient to meet ACMG/AMP criteria for classifying the variant as benign or pathogenic. Thus, the clinical significance of this variant is currently uncertain.

Literature cited by the submitters: PubMed 29236234.

NM_007294.4(BRCA1):c.4186-2308G>A

Gene: BRCA1 (BRCA1 DNA repair associated; minus strand). Cytogenetic location: 17q21.31.
Variant type: single nucleotide variant.
Coding change: c.4186-2308G>A on transcript NM_007294.4 (MANE Select); 2308 bases into the intron before coding-DNA position 4186, G replaced by A.
Molecular consequence: intron variant.
Genome position (GRCh38, 1-based): chr17:43,084,883, C>T on the plus strand (G>A on the coding strand, the complement: BRCA1 is on the minus strand). VCF-style: chr17-43084883-C-T. GRCh37 (hg19) VCF-style: chr17-41236900-C-T.
Other names: c.736-2308G>A (NM_001408458.1, NM_001408453.1, NM_001408461.1 and 8 more transcripts); c.3298-2308G>A (NM_001407967.1, NM_001407966.1); c.3805-2308G>A (NM_001407959.1, NM_001407960.1); c.3919-2308G>A (NM_001407931.1, NM_001407932.1, NM_001407936.1 and 1 more transcripts); c.4042-2308G>A (NM_001407747.1, NM_001407839.1, NM_001407745.1 and 17 more transcripts); c.3802-2308G>A (NM_001407962.1); c.373-2308G>A (NM_001408512.1); c.496-2308G>A (NM_001408510.1); and 64 more.
Identifiers: ClinVar variation 1692968 (VCV001692968.1), dbSNP rs552636154, ClinGen allele CA290839089.